The following is an entry in ClinVar:

ClinVar aggregate classification (germline): Uncertain significance (1 of 4 stars; one submission).

Submission:

Women's Health and Genetics/Laboratory Corporation of America, LabCorp
Classification: Uncertain significance. Last evaluated: 2024-02-12. Review status: criteria provided, single submitter. Criteria: LabCorp Variant Classification Summary - May 2015. Collection method: clinical testing. Allele origin: germline.
Comment: Variant summary: The variant involves the duplication of exons 9-29 in the CSPP1 gene. A presumed nomenclature of c.(1120+1_1121-1)_(*1022_?)dup has been designated for the purposes of this classification. The exact breakpoint at the 3' end of this variant is unknown, therefore this duplication may extend downstream of the annotated region of the gene. It is assumed to be a tandem duplication in direct orientation (PMIDs: 25640679, 30054569). As it duplicates the termination codon, its effect on the encoded protein is unknown. A large duplication (size: ~112 kbp) which covers exons 9-29 of the CSPP1 gene together with a large DNA segment extending downstream of the gene (encompassing exons 31-39 of the ARFGEF1 gene) was found at a frequency of 0.00018 in 120780 control chromosomes (i.e. in 22 carriers) in the gnomAD database (Structural Variants v4.0 dataset). The available data on variant occurrences in the general population are insufficient to allow any conclusion about variant significance. To our knowledge, no occurrence of c.(1120+1_1121-1)_(*1022_?)dup in individuals affected with Joubert Syndrome 21 and no experimental evidence demonstrating its impact on protein function have been reported. ClinVar contains an entry for this variant (Variation ID: 1450791). Based on the evidence outlined above, the variant was classified as uncertain significance.

NC_000008.10:g.(68018211_68024206)_(68108850_?)dup

Gene: CSPP1 (centrosome and spindle pole associated protein 1; plus strand). Cytogenetic location: 8q13.2.
Variant type: Duplication.
Identifiers: ClinVar variation 3068770 (VCV003068770.1).